The following is an entry in ClinVar:

ClinVar aggregate classification (germline): Likely benign. Review status: criteria provided, multiple submitters, no conflicts (2 of 4 stars). 3 submissions from 3 submitters: Likely benign (2). 1 of the submissions does not count toward it. Last evaluated 2024-12-12.

Conditions:
TRAPPC9-related disorder. Also called: TRAPPC9-related condition.

Allele frequency attached by ClinVar (database versions not stated): gnomAD 0.00001; TOPMed 0.00003.
gnomAD v4.1: 50 of 1,614,112 alleles (0.0031%); highest among the groups gnomAD compares: South Asian, 0.018%; no homozygotes.

Submissions (3):

Labcorp Genetics (formerly Invitae), Labcorp
Classification: Likely benign. Last evaluated: 2024-12-12. Review status: criteria provided, single submitter. Criteria: Invitae Variant Classification Sherloc (09022015). Collection method: clinical testing. Allele origin: germline.

Genetic Services Laboratory, University of Chicago
Classification: Likely benign. Last evaluated: 2015-11-17. Review status: criteria provided, single submitter. Criteria: ACMG Guidelines, 2015. Collection method: clinical testing. Allele origin: germline. Affected: no.

PreventionGenetics, part of Exact Sciences
Classification: Likely benign for TRAPPC9-related condition. Last evaluated: 2024-01-26. Review status: no assertion criteria provided. Collection method: clinical testing. Allele origin: germline. Not counted in ClinVar's aggregate classification.
Comment: This variant is classified as likely benign based on ACMG/AMP sequence variant interpretation guidelines (Richards et al. 2015 PMID: 25741868, with internal and published modifications).

NM_001160372.4(TRAPPC9):c.687G>A (p.Ser229=)

Gene: TRAPPC9 (trafficking protein particle complex subunit 9; minus strand). Cytogenetic location: 8q24.3.
Variant type: single nucleotide variant.
Coding change: c.687G>A on transcript NM_001160372.4 (MANE Select); coding-DNA position 687, G replaced by A.
Protein change: p.Ser229=; no amino-acid change (serine 229 retained).
Molecular consequence: synonymous variant. On other transcripts: non-coding transcript variant (1).
Genome position (GRCh38, 1-based): chr8:140,439,095, C>T on the plus strand (G>A on the coding strand, the complement: TRAPPC9 is on the minus strand). VCF-style: chr8-140439095-C-T. GRCh37 (hg19) VCF-style: chr8-141449194-C-T.
Other names: c.687G>A, p.Ser229= (NM_001321646.2, NM_001374683.1, NM_001374684.1 and 1 more transcripts); c.708G>A, p.Ser236= (NM_001374682.1); c.981G>A (NM_031466.7).
Identifiers: ClinVar variation 437037 (VCV000437037.11), dbSNP rs776317177, ClinGen allele CA4893664.